The following is an entry in ClinVar:

NM_178857.6(RP1L1):c.3712A>C (p.Arg1238=)

Gene: RP1L1 (RP1 like 1). Cytogenetic location: 8p23.1.
Variant type: single nucleotide variant.
Coding change: c.3712A>C on transcript NM_178857.6 (MANE Select); coding-DNA position 3712, A replaced by C.
Protein change: p.Arg1238=; no amino-acid change (arginine 1238 retained).
Molecular consequence: synonymous variant.
Genome position (GRCh38, 1-based): chr8:10,610,386, T>G on the plus strand (A>C on the coding strand, the complement: RP1L1 is on the minus strand). VCF-style: chr8-10610386-T-G. GRCh37 (hg19) VCF-style: chr8-10467896-T-G.
Other names: c.3712A>C (NM_178857.5).
Identifiers: ClinVar variation 4899174 (VCV004899174.2).

ClinVar aggregate classification (germline): Likely benign. Review status: criteria provided, multiple submitters, no conflicts (2 of 4 stars). 2 submissions from 2 submitters: Likely benign (2). Last evaluated 2025-01-08.

Conditions:
RP1L1-related disorder. Also called: RP1L1-related condition.

gnomAD v4.1: 30 of 1,614,102 alleles (0.0019%); highest among the groups gnomAD compares: Admixed American, 0.023%; no homozygotes.

Submissions (2):

PreventionGenetics, part of Exact Sciences
Classification: Likely benign for RP1L1-related condition. Last evaluated: 2025-01-08. Review status: criteria provided, single submitter. Criteria: ACMG Guidelines, 2015. Collection method: clinical testing. Allele origin: germline.
Comment: This variant is classified as likely benign based on ACMG/AMP sequence variant interpretation guidelines (Richards et al. 2015 PMID: 25741868, with internal and published modifications).

Blueprint Genetics
Classification: Likely benign. Last evaluated: 2019-12-05. Review status: criteria provided, single submitter. Criteria: ACMG Guidelines, 2015. Collection method: clinical testing. Allele origin: germline.